The following is an entry in ClinVar:

ClinVar aggregate classification (germline): Uncertain significance (1 of 4 stars; one submission).

Conditions:
Cardiovascular phenotype. Identifiers: MedGen CN230736.

Submission:

Ambry Genetics
Classification: Uncertain significance for Cardiovascular phenotype. Last evaluated: 2026-06-14. Review status: criteria provided, single submitter. Criteria: Ambry Variant Classification Scheme 2023. Collection method: clinical testing. Allele origin: germline.
Comment: The p.L166V variant (also known as c.496T>G), located in coding exon 4 of the MYOZ2 gene, results from a T to G substitution at nucleotide position 496. The leucine at codon 166 is replaced by valine, an amino acid with highly similar properties. This amino acid position is conserved. In addition, this alteration is predicted to be tolerated by in silico analysis. Based on the available evidence, the clinical significance of this variant remains unclear.

NM_016599.5(MYOZ2):c.496T>G (p.Leu166Val)

Gene: MYOZ2 (myozenin 2; plus strand). Cytogenetic location: 4q26.
Variant type: single nucleotide variant.
Coding change: c.496T>G on transcript NM_016599.5 (MANE Select); coding-DNA position 496, T replaced by G.
Protein change: p.Leu166Val; replaces leucine 166 with valine.
Molecular consequence: missense variant.
Genome position (GRCh38, 1-based): chr4:119,164,330, T>G. VCF-style: chr4-119164330-T-G. GRCh37 (hg19) VCF-style: chr4-120085485-T-G.
Other names: c.496T>G, p.Leu166Val (NM_001440645.1, NM_001440646.1); short protein forms L166V.
Identifiers: ClinVar variation 4860691 (VCV004860691.1).